The following is an entry in ClinVar:

NM_014795.4(ZEB2):c.2083C>T (p.Arg695Ter)

Gene: ZEB2 (zinc finger E-box binding homeobox 2; minus strand). Cytogenetic location: 2q22.3.
Variant type: single nucleotide variant.
Coding change: c.2083C>T on transcript NM_014795.4 (MANE Select); coding-DNA position 2083, C replaced by T.
Protein change: p.Arg695Ter; replaces arginine 695 with a stop codon.
Molecular consequence: nonsense.
Genome position (GRCh38, 1-based): chr2:144,399,104, G>A on the plus strand (C>T on the coding strand, the complement: ZEB2 is on the minus strand). VCF-style: chr2-144399104-G-A. GRCh37 (hg19) VCF-style: chr2-145156671-G-A.
Other names: p.R695*:CGA>TGA; NM_014795.4(ZEB2):c.2083C>T; p.Arg695Ter; c.2011C>T, p.Arg671Ter (NM_001171653.2); short protein forms R695*, R671*.
Identifiers: ClinVar variation 4755 (VCV000004755.37), dbSNP rs137852981, ClinGen allele CA281551.

ClinVar aggregate classification (germline): Pathogenic. Review status: criteria provided, multiple submitters, no conflicts (2 of 4 stars). 21 submissions from 21 submitters: Pathogenic (17). 4 of the submissions do not count toward it. Last evaluated 2026-06-29.

Conditions:
ZEB2-related disorder. Also called: ZEB2-related condition.
Multiple congenital anomalies/dysmorphic syndrome-intellectual disability. Identifiers: Orphanet 102283, MedGen C5680372, MONDO:0015159.
Mowat-Wilson syndrome (MOWS). Also called: Classic Mowat-Wilson Syndrome. Identifiers: Orphanet 2152, MedGen C1856113, MONDO:0009341, OMIM 235730.

Submissions (21):

Laboratory of Medical Genetics, University of Torino
Classification: Pathogenic for Mowat-Wilson syndrome. Last evaluated: 2026-06-29. Review status: criteria provided, single submitter. Criteria: ACMG Guidelines, 2015. Collection method: clinical testing. Allele origin: de novo. Affected: yes.

3billion
Classification: Pathogenic for Mowat-Wilson syndrome. Last evaluated: 2025-11-25. Review status: criteria provided, single submitter. Criteria: ACMG Guidelines, 2015. Collection method: clinical testing. Allele origin: germline. Affected: yes.
Comment: The variant is not observed in the gnomAD v4.1.0 dataset. Predicted Consequence/Location: Stop-gained (nonsense): predicted to result in a loss or disruption of normal protein function through nonsense-mediated decay (NMD) or protein truncation. Multiple pathogenic variants are reported downstream of the variant. The variant has been reported at least twice as pathogenic with clinical assertions and evidence for the classification (ClinVar ID: VCV000004755 /PMID: 11592033 /3billion dataset). Therefore, this variant is classified as Pathogenic according to the recommendation of ACMG/AMP guideline.

Daryl Scott Lab, Baylor College of Medicine
Classification: Pathogenic for Mowat-Wilson syndrome. Last evaluated: 2025-08-25. Review status: criteria provided, single submitter. Criteria: ACMG Guidelines, 2015. Collection method: clinical testing. Allele origin: de novo. Affected: yes. Observed: 1 heterozygote.
Comment: PVS1, PS2, PS4, PM2

Labcorp Genetics (formerly Invitae), Labcorp
Classification: Pathogenic for Mowat-Wilson syndrome. Last evaluated: 2025-04-13. Review status: criteria provided, single submitter. Criteria: Invitae Variant Classification Sherloc (09022015). Collection method: clinical testing. Allele origin: germline.
Comment: This sequence change creates a premature translational stop signal (p.Arg695*) in the ZEB2 gene. It is expected to result in an absent or disrupted protein product. Loss-of-function variants in ZEB2 are known to be pathogenic (PMID: 16053902). This variant is not present in population databases (gnomAD no frequency). This premature translational stop signal has been observed in individual(s) with Mowat-Wilson syndrome (PMID: 11592033, 15908750, 17932455, 17958891, 19842203, 24401652, 26809768, 26993267, 27831545). In at least one individual the variant was observed to be de novo. This variant is also known as c.2083C>T (p.R925X). ClinVar contains an entry for this variant (Variation ID: 4755). For these reasons, this variant has been classified as Pathogenic.

Medical Genetics Unit, Azienda USL-IRCCS di Reggio Emilia
Classification: Pathogenic for Mowat-Wilson syndrome. Last evaluated: 2023-10-20. Review status: criteria provided, single submitter. Criteria: ACMG Guidelines, 2015. Collection method: clinical testing. Allele origin: germline. Affected: yes. Observed: 3 variant alleles.
Comment: Heterozygous variant associated with Mowat-Wilson syndrome in various individuals (de novo / germline mosaicism). ACMG/AMP criteria PVS1, PS2, PM2, PP4

Victorian Clinical Genetics Services, Murdoch Childrens Research Institute
Classification: Pathogenic for Mowat-Wilson syndrome. Last evaluated: 2023-07-17. Review status: criteria provided, single submitter. Criteria: ACMG Guidelines, 2015. Collection method: clinical testing. Allele origin: germline. Inheritance: Autosomal dominant inheritance. Affected: yes.
Comment: Based on the classification scheme VCGS_Germline_v1.3.4, this variant is classified as Pathogenic. Following criteria are met: 0102 - Loss of function is a known mechanism of disease in this gene and is associated with Mowat-Wilson syndrome (MIM#235730). (I) 0107 - This gene is associated with autosomal dominant disease. (I) 0115 - Variants in this gene are known to have variable expressivity (PMID:29300384). (I) 0201 - Variant is predicted to cause nonsense-mediated decay (NMD) and loss of protein (premature termination codon is located at least 54 nucleotides upstream of the final exon-exon junction). (SP) 0251 - This variant is heterozygous. (I) 0301 - Variant is absent from gnomAD (both v2 and v3). (SP) 0701 - Other NMD-predicted variants comparable to the one identified in this case have very strong previous evidence for pathogenicity (ClinVar). (SP) 0801 - This variant has strong previous evidence of pathogenicity in unrelated individuals. This variant has been classified as pathogenic by clinical laboratories in ClinVar. (SP) Legend: (SP) - Supporting pathogenic, (I) - Information, (SB) - Supporting benign

Broad Center for Mendelian Genomics, Broad Institute of MIT and Harvard
Classification: Pathogenic for Mowat-Wilson syndrome. Last evaluated: 2023-01-25. Review status: criteria provided, single submitter. Criteria: ACMG Guidelines, 2015. Collection method: curation. Allele origin: germline. Inheritance: Autosomal dominant inheritance.
Comment: Trio exome analysis showed this variant to be de novo. The p.Arg695Ter variant in ZEB2 has been previously reported in 16 unrelated individuals with Mowat Wilson syndrome (PMID: 33510600, PMID: 32196960, PMID: 27831545, PMID: 15908750, PMID: 11592033, PMID: 31285160, PMID: 26809768, PMID: 11279515, PMID: 17932455, PMID: 24401652). The number of reported affected individuals with this variant is greater than expected compared to non-affected individuals with this variant. This variant was found to be de novo in 7 individuals with confirmed paternity and maternity (PMID: 33510600, PMID: 15908750, PMID: 11592033, PMID: 11279515, PMID: 24401652). This variant has also been reported in ClinVar (Variation ID: 4755) and has been interpreted as pathogenic by multiple submitters. This variant was absent from large population studies. This nonsense variant leads to a premature termination codon at position 695, which is predicted to lead to a truncated or absent protein. Heterozygous loss of function of the ZEB2 gene is an established disease mechanism in autosomal dominant Mowat Wilson syndrome. In summary, this variant meets criteria to be classified as pathogenic for Mowat Wilson syndrome. ACMG/AMP Criteria applied: PVS1, PS2_VeryStrong, PS4, PM2_Supporting (Richards 2015).

Blueprint Genetics
Classification: Pathogenic for ZEB2-related disorders. Last evaluated: 2022-10-31. Review status: criteria provided, single submitter. Criteria: ACMG Guidelines, 2015. Collection method: clinical testing. Allele origin: de novo. Affected: yes. Observed: 2 variant alleles.

Genome-Nilou Lab
Classification: Pathogenic for Mowat-Wilson syndrome. Last evaluated: 2021-11-07. Review status: criteria provided, single submitter. Criteria: ACMG Guidelines, 2015. Collection method: clinical testing. Allele origin: germline. Affected: no.

AURAGEN, Plan France Médecine Génomique
Classification: Pathogenic for Multiple congenital anomalies/dysmorphic syndrome-intellectual disability. Last evaluated: 2021-09-13. Review status: criteria provided, single submitter. Criteria: PFMG2025 (Lancet Reg Health Eur. 2025). Collection method: clinical testing. Allele origin: germline. Affected: yes.

GeneDx
Classification: Pathogenic. Last evaluated: 2020-04-30. Review status: criteria provided, single submitter. Criteria: GeneDx Variant Classification Process June 2021. Collection method: clinical testing. Allele origin: germline. Affected: yes.
Comment: Nonsense variant predicted to result in protein truncation or nonsense mediated decay in a gene for which loss-of-function is a known mechanism of disease; Not observed in large population cohorts (Lek et al., 2016); This variant is associated with the following publications: (PMID: 24401652, 17932455, 11279515, 26809768, 23891399, 31285160, 25525159, 11592033, 15908750, 27831545, 32196960, 33510600)

HudsonAlpha Institute for Biotechnology
Classification: Pathogenic for Mowat-Wilson syndrome. Last evaluated: 2018-03-27. Review status: criteria provided, single submitter. Criteria: ACMG Guidelines, 2015. Collection method: research. Allele origin: unknown. Affected: yes. Observed: 1 variant allele. Study: PGEN-HudsonAlpha.

Baylor Genetics
Classification: Pathogenic for Mowat-Wilson syndrome. Last evaluated: 2017-09-01. Review status: criteria provided, single submitter. Criteria: ACMG Guidelines, 2015. Collection method: clinical testing. Allele origin: germline. Inheritance: Autosomal dominant inheritance. Affected: yes.

Fulgent Genetics
Classification: Pathogenic for Mowat-Wilson syndrome. Last evaluated: 2017-05-18. Review status: criteria provided, single submitter. Criteria: ACMG Guidelines, 2015. Collection method: clinical testing. Allele origin: unknown.

Eurofins Ntd Llc (ga)
Classification: Pathogenic. Last evaluated: 2014-04-10. Review status: criteria provided, single submitter. Criteria: EGL Classification Definitions 2015. Collection method: clinical testing. Allele origin: germline. Observed: 15 variant alleles, 15 heterozygotes.

Genetic Services Laboratory, University of Chicago
Classification: Pathogenic for Mowat-Wilson syndrome. Last evaluated: 2013-02-08. Review status: criteria provided, single submitter. Criteria: ACMG Guidelines, 2007. Collection method: clinical testing. Allele origin: germline. Inheritance: Autosomal dominant inheritance. Affected: yes.

Institute for Genomic Statistics and Bioinformatics, University Hospital Bonn
Classification: Pathogenic for Mowat-Wilson syndrome. Review status: criteria provided, single submitter. Criteria: ACMG Guidelines, 2015. Collection method: clinical testing. Allele origin: unknown. Affected: yes. Observed: 1 variant allele.

Molecular Genetics Laboratory, Children's Mercy Hospital and Clinics
Classification: Pathogenic for Mowat-Wilson syndrome. Last evaluated: 2015-03-02. Review status: no assertion criteria provided. Collection method: clinical testing. Allele origin: unknown. Affected: yes. Not counted in ClinVar's aggregate classification.

OMIM
Classification: Pathogenic for MOWAT-WILSON SYNDROME. Last evaluated: 2001-12-01. Review status: no assertion criteria provided. Collection method: literature only. Allele origin: germline. Not counted in ClinVar's aggregate classification.

Joint Genome Diagnostic Labs from Nijmegen and Maastricht, Radboudumc and MUMC+
Classification: Pathogenic. Review status: no assertion criteria provided. Collection method: clinical testing. Allele origin: germline. Affected: yes. Study: VKGL Data-share Consensus. Not counted in ClinVar's aggregate classification.

Laboratory of Diagnostic Genome Analysis, Leiden University Medical Center (LUMC)
Classification: Pathogenic. Review status: no assertion criteria provided. Collection method: clinical testing. Allele origin: germline. Affected: yes. Study: VKGL Data-share Consensus. Not counted in ClinVar's aggregate classification.

Literature cited by the submitters: PubMed 11592033 (cited by 5 submitters); PubMed 16053902 (cited by Labcorp Genetics (formerly Invitae), Labcorp); PubMed 15908750 (cited by Labcorp Genetics (formerly Invitae), Labcorp); PubMed 17932455 (cited by Labcorp Genetics (formerly Invitae), Labcorp); PubMed 17958891 (cited by Labcorp Genetics (formerly Invitae), Labcorp); PubMed 19842203 (cited by Labcorp Genetics (formerly Invitae), Labcorp); PubMed 24401652 (cited by Labcorp Genetics (formerly Invitae), Labcorp); PubMed 26809768 (cited by Labcorp Genetics (formerly Invitae), Labcorp); PubMed 26993267 (cited by Labcorp Genetics (formerly Invitae), Labcorp); PubMed 27831545 (cited by Labcorp Genetics (formerly Invitae), Labcorp); PubMed 29300384 (cited by Medical Genetics Unit, Azienda USL-IRCCS di Reggio Emilia and Victorian Clinical Genetics Services, Murdoch Childrens Research Institute); PubMed 25326635 (cited by Baylor Genetics); PubMed 11279515 (cited by OMIM).